The following is an entry in ClinVar:

NM_000492.4(CFTR):c.4436G>A (p.Arg1479Lys)

Genes: CFTR (CF transmembrane conductance regulator; plus strand), LOC111674477 (CFTR intron 23 enhancer; plus strand). Cytogenetic location: 7q31.2.
Variant type: single nucleotide variant.
Coding change: c.4436G>A on transcript NM_000492.4 (MANE Select); coding-DNA position 4436, G replaced by A.
Protein change: p.Arg1479Lys; replaces arginine 1479 with lysine.
Molecular consequence: missense variant.
Genome position (GRCh38, 1-based): chr7:117,667,101, G>A. VCF-style: chr7-117667101-G-A. GRCh37 (hg19) VCF-style: chr7-117307155-G-A.
Other names: short protein forms R1479K.
Identifiers: ClinVar variation 502054 (VCV000502054.36), dbSNP rs1325117166, ClinGen allele CA368985427.

ClinVar aggregate classification (germline): Uncertain significance. Review status: criteria provided, multiple submitters, no conflicts (2 of 4 stars). 10 submissions from 10 submitters: Uncertain significance (9). 1 of the submissions does not count toward it. Last evaluated 2026-06-27.

Conditions:
CFTR-related disorder (CFTR-RD). Also called: CFTR-related condition; CFTR-related disorders. Identifiers: MedGen C5924204, MONDO:7770004.
Cystic fibrosis (CF). Also called: MUCOVISCIDOSIS. Identifiers: Orphanet 586, MedGen C0010674, MONDO:0009061, OMIM 219700. Disease mechanism: loss of function.

Allele frequency attached by ClinVar (database versions not stated): gnomAD exomes 0.00001; TOPMed 0.00001.
gnomAD v4.1: 4 of 1,613,778 alleles (0.00025%); highest among the groups gnomAD compares: Admixed American, 0.005%; no homozygotes.

Submissions (10):

PreventionGenetics, part of Exact Sciences
Classification: Uncertain significance for CFTR-related condition. Last evaluated: 2026-06-27. Review status: criteria provided, single submitter. Criteria: ACMG Guidelines, 2015. Collection method: clinical testing. Allele origin: germline.
Comment: The CFTR c.4436G>A variant is predicted to result in the amino acid substitution p.Arg1479Lys. To our knowledge, this variant has not been reported in the literature. This variant is reported in 0.0058% of alleles in individuals of Latino descent in gnomAD. At this time, the clinical significance of this variant is uncertain due to the absence of conclusive functional and genetic evidence.

Labcorp Genetics (formerly Invitae), Labcorp
Classification: Uncertain significance for Cystic fibrosis. Last evaluated: 2025-12-09. Review status: criteria provided, single submitter. Criteria: Invitae Variant Classification Sherloc (09022015). Collection method: clinical testing. Allele origin: germline.
Comment: This sequence change replaces arginine, which is basic and polar, with lysine, which is basic and polar, at codon 1479 of the CFTR protein (p.Arg1479Lys). This variant is present in population databases (no rsID available, gnomAD 0.006%). This variant has not been reported in the literature in individuals affected with CFTR-related conditions. ClinVar contains an entry for this variant (Variation ID: 502054). Invitae Evidence Modeling of protein sequence and biophysical properties (such as structural, functional, and spatial information, amino acid conservation, physicochemical variation, residue mobility, and thermodynamic stability) indicates that this missense variant is expected to disrupt CFTR protein function with a positive predictive value of 95%. In summary, the available evidence is currently insufficient to determine the role of this variant in disease. Therefore, it has been classified as a Variant of Uncertain Significance.

ARUP Laboratories, Molecular Genetics and Genomics, ARUP Laboratories
Classification: Uncertain significance. Last evaluated: 2025-01-15. Review status: criteria provided, single submitter. Criteria: ARUP Molecular Germline Variant Investigation Process 2024. Collection method: clinical testing. Allele origin: germline.
Comment: The CFTR c.4436G>A; p.Arg1479Lys variant (rs1325117166), to our knowledge, is not reported in the medical literature but is reported in ClinVar (Variation ID: 502054). This variant is only observed on two alleles in the Genome Aggregation Database (v2.1.1), indicating it is not a common polymorphism. Computational analyses are uncertain whether this variant is neutral or deleterious (REVEL: 0.483). Due to limited information, the clinical significance of this variant is uncertain at this time.

Johns Hopkins Genomics, Johns Hopkins University
Classification: Uncertain significance for Cystic fibrosis. Last evaluated: 2024-07-12. Review status: criteria provided, single submitter. Criteria: ACMG Guidelines, 2015. Collection method: clinical testing. Allele origin: germline.
Comment: This CFTR missense variant (rs1325117166) is rare (<0.1%) in a large population dataset (gnomADv4.1.0: 4/1613778 total alleles; 0.0002%; no homozygotes) and has been reported in ClinVar (Variation ID: 502054). It has not been reported in the literature in individuals with cystic fibrosis, to our knowledge. Of three bioinformatics tools queried, two predict that this substitution may possibly be damaging, while one predicts that it would be tolerated. The arginine residue at this position is evolutionarily conserved across most species assessed, although lysine is present at this position in four species. We consider the clinical significance of CFTR c.4436G>A to be uncertain at this time.

Ambry Genetics
Classification: Uncertain significance for Cystic fibrosis. Last evaluated: 2024-04-05. Review status: criteria provided, single submitter. Criteria: Ambry Variant Classification Scheme 2023. Collection method: clinical testing. Allele origin: germline.
Comment: The p.R1479K variant (also known as c.4436G>A), located in coding exon 27 of the CFTR gene, results from a G to A substitution at nucleotide position 4436. The arginine at codon 1479 is replaced by lysine, an amino acid with highly similar properties. This amino acid position is highly conserved in available vertebrate species. In addition, the in silico prediction for this alteration is inconclusive. Since supporting evidence is limited at this time, the clinical significance of this alteration remains unclear.

Mayo Clinic Laboratories, Mayo Clinic
Classification: Uncertain significance. Last evaluated: 2023-05-10. Review status: criteria provided, single submitter. Criteria: ACMG Guidelines, 2015. Collection method: clinical testing. Allele origin: germline. Observed: 3 variant alleles.
Comment: PM2

Genome-Nilou Lab
Classification: Uncertain significance for Cystic fibrosis. Last evaluated: 2021-09-05. Review status: criteria provided, single submitter. Criteria: ACMG Guidelines, 2015. Collection method: clinical testing. Allele origin: germline. Affected: no.

Women's Health and Genetics/Laboratory Corporation of America, LabCorp
Classification: Uncertain significance. Last evaluated: 2021-07-09. Review status: criteria provided, single submitter. Criteria: LabCorp Variant Classification Summary - May 2015. Collection method: clinical testing. Allele origin: germline.
Comment: Variant summary: CFTR c.4436G>A (p.Arg1479Lys) results in a conservative amino acid change in the encoded protein sequence. Three of five in-silico tools predict a damaging effect of the variant on protein function. The variant allele was found at a frequency of 8e-06 in 250778 control chromosomes. The available data on variant occurrences in the general population are insufficient to allow any conclusion about variant significance. To our knowledge, no occurrence of c.4436G>A in individuals affected with Cystic Fibrosis and no experimental evidence demonstrating its impact on protein function have been reported. Five clinical diagnostic laboratories have submitted clinical-significance assessments for this variant to ClinVar after 2014 without evidence for independent evaluation. All laboratories classified the variant as uncertain significance. Based on the evidence outlined above, the variant was classified as uncertain significance.

Eurofins Ntd Llc (ga)
Classification: Uncertain significance. Last evaluated: 2018-07-20. Review status: criteria provided, single submitter. Criteria: EGL ClinVar v180209 classification definitions. Collection method: clinical testing. Allele origin: germline. Observed: 3 variant alleles, 3 heterozygotes.

Natera, Inc.
Classification: Uncertain significance for CFTR-related disorders. Last evaluated: 2018-09-16. Review status: no assertion criteria provided. Collection method: clinical testing. Allele origin: germline. Not counted in ClinVar's aggregate classification.